The following is an entry in ClinVar:

NM_014967.5(FAN1):c.1082C>A (p.Ser361Ter)

Gene: FAN1 (FANCD2 and FANCI associated nuclease 1; plus strand). Cytogenetic location: 15q13.3.
Variant type: single nucleotide variant.
Coding change: c.1082C>A on transcript NM_014967.5 (MANE Select); coding-DNA position 1082, C replaced by A.
Protein change: p.Ser361Ter; replaces serine 361 with a stop codon.
Molecular consequence: nonsense.
Genome position (GRCh38, 1-based): chr15:30,905,745, C>A. VCF-style: chr15-30905745-C-A. GRCh37 (hg19) VCF-style: chr15-31197948-C-A.
Other names: c.1082C>A, p.Ser361Ter (NM_001146094.2, NM_001146095.1, NM_001146096.2); short protein forms S361*.
Identifiers: ClinVar variation 4879847 (VCV004879847.1).

ClinVar aggregate classification (germline): Pathogenic (1 of 4 stars; one submission).

Conditions:
Karyomegalic interstitial nephritis. Identifiers: Orphanet 401996, MedGen C3553774, MONDO:0013898, OMIM 614817.

Submission:

MVZ Medizinische Genetik Mainz
Classification: Pathogenic for Karyomegalic interstitial nephritis. Last evaluated: 2026-06-23. Review status: criteria provided, single submitter. Criteria: UK Practice Guidelines For Variant Classification V4 01 2020. Collection method: clinical testing. Allele origin: germline. Inheritance: Autosomal recessive inheritance. Affected: yes. Observed: 1 variant allele.
Comment: ACMG Criteria: PVS1,PM2_SUP,PM3_SUP